The following is an entry in ClinVar:

ClinVar aggregate classification (germline): Uncertain significance (1 of 4 stars; one submission).

Allele frequency attached by ClinVar (database versions not stated): TOPMed 0.00001.
gnomAD v4.1: 5 of 1,495,106 alleles (0.00033%); highest among the groups gnomAD compares: Non-Finnish European, 0.00045%; no homozygotes.

Submission:

Labcorp Genetics (formerly Invitae), Labcorp
Classification: Uncertain significance. Last evaluated: 2022-03-04. Review status: criteria provided, single submitter. Criteria: Invitae Variant Classification Sherloc (09022015). Collection method: clinical testing. Allele origin: germline.
Comment: In summary, the available evidence is currently insufficient to determine the role of this variant in disease. Therefore, it has been classified as a Variant of Uncertain Significance. Algorithms developed to predict the effect of missense changes on protein structure and function output the following: SIFT: "Tolerated"; PolyPhen-2: "Benign"; Align-GVGD: "Class C0". The aspartic acid amino acid residue is found in multiple mammalian species, which suggests that this missense change does not adversely affect protein function. This variant has not been reported in the literature in individuals affected with FAM20C-related conditions. This variant is not present in population databases (gnomAD no frequency). This sequence change replaces glutamic acid, which is acidic and polar, with aspartic acid, which is acidic and polar, at codon 115 of the FAM20C protein (p.Glu115Asp).

NM_020223.4(FAM20C):c.345G>T (p.Glu115Asp)

Gene: FAM20C (FAM20C golgi associated secretory pathway kinase; plus strand). Cytogenetic location: 7p22.3.
Variant type: single nucleotide variant.
Coding change: c.345G>T on transcript NM_020223.4 (MANE Select); coding-DNA position 345, G replaced by T.
Protein change: p.Glu115Asp; replaces glutamic acid 115 with aspartic acid.
Molecular consequence: missense variant.
Genome position (GRCh38, 1-based): chr7:193,544, G>T. VCF-style: chr7-193544-G-T. GRCh37 (hg19) VCF-style: chr7-193544-G-T.
Other names: short protein forms E115D.
Identifiers: ClinVar variation 2413612 (VCV002413612.6), dbSNP rs1316993591, ClinGen allele CA366523432.